The following is an entry in ClinVar:

NM_001242957.3(MAK):c.1562T>C (p.Val521Ala)

Gene: MAK (male germ cell associated kinase; minus strand). Cytogenetic location: 6p24.2.
Variant type: single nucleotide variant.
Coding change: c.1562T>C on transcript NM_001242957.3 (MANE Select); coding-DNA position 1562, T replaced by C.
Protein change: p.Val521Ala; replaces valine 521 with alanine.
Molecular consequence: missense variant. On other transcripts: non-coding transcript variant (2).
Genome position (GRCh38, 1-based): chr6:10,775,363, A>G on the plus strand (T>C on the coding strand, the complement: MAK is on the minus strand). VCF-style: chr6-10775363-A-G. GRCh37 (hg19) VCF-style: chr6-10775596-A-G.
Other names: c.1562T>C, p.Val521Ala (NM_001242385.2, NM_005906.6); c.1460T>C, p.Val487Ala (NM_001377262.1); short protein forms V487A, V521A.
Identifiers: ClinVar variation 938593 (VCV000938593.7), dbSNP rs192591726, ClinGen allele CA3633400.

ClinVar aggregate classification (germline): Conflicting classifications of pathogenicity. Review status: criteria provided, conflicting classifications (1 of 4 stars). 3 submissions from 3 submitters: Uncertain significance (2); Likely benign (1). Last evaluated 2026-03-18.

Conditions:
MAK-related disorder. Also called: MAK-related condition.

Allele frequency attached by ClinVar (database versions not stated): gnomAD exomes 0.00019 and 0.00059; ExAC 0.00021; ESP Exome Variant Server 0.00023; gnomAD 0.00027 and 0.00028; TOPMed 0.00031; 1000 Genomes Project 30x 0.00047; 1000 Genomes Project 0.00060.
gnomAD v4.1: 874 of 1,613,920 alleles (0.054%); highest among the groups gnomAD compares: Non-Finnish European, 0.07%; 1 homozygote.

Submissions (3):

PreventionGenetics, part of Exact Sciences
Classification: Uncertain significance for MAK-related condition. Last evaluated: 2026-03-18. Review status: criteria provided, single submitter. Criteria: ACMG Guidelines, 2015. Collection method: clinical testing. Allele origin: germline.
Comment: The MAK c.1562T>C variant is predicted to result in the amino acid substitution p.Val521Ala. To our knowledge, this variant has not been reported in the literature. This variant is reported in 0.033% of alleles in individuals of European (Non-Finnish) descent in gnomAD. At this time, the clinical significance of this variant is uncertain due to the absence of conclusive functional and genetic evidence.

Blueprint Genetics
Classification: Likely benign. Last evaluated: 2024-11-21. Review status: criteria provided, single submitter. Criteria: ACMG Guidelines, 2015. Collection method: clinical testing. Allele origin: germline.

Labcorp Genetics (formerly Invitae), Labcorp
Classification: Uncertain significance. Last evaluated: 2022-10-24. Review status: criteria provided, single submitter. Criteria: Invitae Variant Classification Sherloc (09022015). Collection method: clinical testing. Allele origin: germline.
Comment: This sequence change replaces valine, which is neutral and non-polar, with alanine, which is neutral and non-polar, at codon 521 of the MAK protein (p.Val521Ala). This variant is present in population databases (rs192591726, gnomAD 0.04%). This variant has not been reported in the literature in individuals affected with MAK-related conditions. ClinVar contains an entry for this variant (Variation ID: 938593). Advanced modeling of protein sequence and biophysical properties (such as structural, functional, and spatial information, amino acid conservation, physicochemical variation, residue mobility, and thermodynamic stability) performed at Invitae indicates that this missense variant is not expected to disrupt MAK protein function. In summary, the available evidence is currently insufficient to determine the role of this variant in disease. Therefore, it has been classified as a Variant of Uncertain Significance.